The following is an entry in ClinVar:

ClinVar aggregate classification (germline): Pathogenic (1 of 4 stars; one submission).

Conditions:
Aortic valve disease 2 (AOVD2). Identifiers: MedGen C3542024, MONDO:0013902, OMIM 614823.

Submission:

Labcorp Genetics (formerly Invitae), Labcorp
Classification: Pathogenic for Aortic valve disease 2. Last evaluated: 2025-04-23. Review status: criteria provided, single submitter. Criteria: Invitae Variant Classification Sherloc (09022015). Collection method: clinical testing. Allele origin: germline.
Comment: This sequence change creates a premature translational stop signal (p.Lys126Alafs*25) in the TBX5 gene. It is expected to result in an absent or disrupted protein product. Loss-of-function variants in TBX5 are known to be pathogenic (PMID: 16183809, 16917909). This variant is not present in population databases (gnomAD no frequency). This variant has not been reported in the literature in individuals affected with TBX5-related conditions. For these reasons, this variant has been classified as Pathogenic.

Literature cited by the submitters: PubMed 16183809; PubMed 16917909.

NM_181486.4(TBX5):c.373_374dup (p.Lys126fs)

Gene: TBX5 (T-box transcription factor 5; minus strand). Cytogenetic location: 12q24.21.
Variant type: Duplication.
Coding change: c.373_374dup on transcript NM_181486.4 (MANE Select); coding-DNA positions 373 to 374, 2 bases duplicated (GG; older notation c.373_374dupGG).
Protein change: p.Lys126fs; shifts the reading frame from lysine 126.
Molecular consequence: frameshift variant.
Genome position (GRCh38, 1-based): chr12:114,398,709-114,398,710, CC duplicated on the plus strand (GG on the coding strand, the reverse complement: TBX5 is on the minus strand); duplicating any 2 consecutive bases within chr12:114,398,709-114,398,711 gives the same sequence; the c. name uses the placement nearest the transcript's 3' end. VCF-style (leftmost placement, unchanged base first): chr12-114398708-G-GCC. GRCh37 (hg19) VCF-style: chr12-114836513-G-GCC.
Other names: c.373_374dup, p.Lys126fs (NM_000192.3); c.223_224dup, p.Lys76fs (NM_080717.4); short protein forms K126fs, K76fs.
Identifiers: ClinVar variation 4718279 (VCV004718279.1).